The following is an entry in ClinVar:

ClinVar aggregate classification (germline): Likely benign (1 of 4 stars; one submission).

Submission:

CeGaT Center for Human Genetics Tuebingen
Classification: Likely benign. Last evaluated: 2026-07-01. Review status: criteria provided, single submitter. Criteria: CeGaT Center For Human Genetics Tuebingen Variant Classification Criteria Version 2. Collection method: clinical testing. Allele origin: germline. Affected: yes. Observed: 1 variant allele.
Comment: MAGEL2: BP4, BP7

NM_019066.5(MAGEL2):c.591A>T (p.Thr197=)

Gene: MAGEL2 (MAGE family member L2; minus strand). Cytogenetic location: 15q11.2.
Variant type: single nucleotide variant.
Coding change: c.591A>T on transcript NM_019066.5 (MANE Select); coding-DNA position 591, A replaced by T.
Protein change: p.Thr197=; no amino-acid change (threonine 197 retained).
Molecular consequence: synonymous variant.
Genome position (GRCh38, 1-based): chr15:23,647,152, T>A on the plus strand (A>T on the coding strand, the complement: MAGEL2 is on the minus strand). VCF-style: chr15-23647152-T-A. GRCh37 (hg19) VCF-style: chr15-23892299-T-A.
Identifiers: ClinVar variation 5039334 (VCV005039334.1).
Genomic context (GRCh38, chr15:23,647,152, plus strand): 5'-TGTCCCCGGAGGTGGAGGATGAGCCATCGGTGTCCCCGGAGGGGGAGGATGAGCCATCGG[T>A]GTCCCCGGAGGGGGAGGATGAGCCATCGGGGTCCCCGGAGGAGGAGGATGCACCATCGGG-3'
Protein context (NP_061939.3, residues 187-207): TPMAHPPPPG[Thr197=]PMAHPPPPGT